The following is an entry in ClinVar:

NM_020699.4(GATAD2B):c.776T>C (p.Met259Thr)

Gene: GATAD2B (GATA zinc finger domain containing 2B; minus strand). Cytogenetic location: 1q21.3.
Variant type: single nucleotide variant.
Coding change: c.776T>C on transcript NM_020699.4 (MANE Select); coding-DNA position 776, T replaced by C.
Protein change: p.Met259Thr; replaces methionine 259 with threonine.
Molecular consequence: missense variant.
Genome position (GRCh38, 1-based): chr1:153,817,496, A>G on the plus strand (T>C on the coding strand, the complement: GATAD2B is on the minus strand). VCF-style: chr1-153817496-A-G. GRCh37 (hg19) VCF-style: chr1-153789972-A-G.
Other names: short protein forms M259T.
Identifiers: ClinVar variation 2972796 (VCV002972796.3), dbSNP rs2525252693, ClinGen allele CA342530780.

ClinVar aggregate classification (germline): Uncertain significance (1 of 4 stars; one submission).

Submission:

Labcorp Genetics (formerly Invitae), Labcorp
Classification: Uncertain significance. Last evaluated: 2023-02-19. Review status: criteria provided, single submitter. Criteria: Invitae Variant Classification Sherloc (09022015). Collection method: clinical testing. Allele origin: germline.
Comment: This variant is not present in population databases (gnomAD no frequency). In summary, the available evidence is currently insufficient to determine the role of this variant in disease. Therefore, it has been classified as a Variant of Uncertain Significance. Advanced modeling of protein sequence and biophysical properties (such as structural, functional, and spatial information, amino acid conservation, physicochemical variation, residue mobility, and thermodynamic stability) performed at Invitae indicates that this missense variant is not expected to disrupt GATAD2B protein function. This variant has not been reported in the literature in individuals affected with GATAD2B-related conditions. This sequence change replaces methionine, which is neutral and non-polar, with threonine, which is neutral and polar, at codon 259 of the GATAD2B protein (p.Met259Thr).